The following is an entry in ClinVar:

NM_001374353.1(GLI2):c.4343G>A (p.Ser1448Asn)

Gene: GLI2 (GLI family zinc finger 2; plus strand). Cytogenetic location: 2q14.2.
Variant type: single nucleotide variant.
Coding change: c.4343G>A on transcript NM_001374353.1 (MANE Select); coding-DNA position 4343, G replaced by A.
Protein change: p.Ser1448Asn; replaces serine 1448 with asparagine.
Molecular consequence: missense variant.
Genome position (GRCh38, 1-based): chr2:120,990,308, G>A. VCF-style: chr2-120990308-G-A. GRCh37 (hg19) VCF-style: chr2-121747884-G-A.
Other names: c.4394G>A, p.Ser1465Asn (NM_001371271.1, NM_005270.5); c.3968G>A, p.Ser1323Asn (NM_001374354.1); short protein forms S1323N, S1448N, S1465N.
Identifiers: ClinVar variation 3854210 (VCV003854210.3).

ClinVar aggregate classification (germline): Conflicting classifications of pathogenicity. Review status: criteria provided, conflicting classifications (1 of 4 stars). 4 submissions from 4 submitters: Uncertain significance (3); Likely benign (1). Last evaluated 2026-03-10.

Conditions:
Inborn genetic diseases. Identifiers: MedGen C0950123, MeSH D030342.
Holoprosencephaly 9 (HPE9). Also called: PITUITARY ANOMALIES WITH HOLOPROSENCEPHALY-LIKE FEATURES; HOLOPROSENCEPHALY WITH MICROPHTHALMIA AND FIRST BRANCHIAL ARCH ANOMALIES. Identifiers: Orphanet 2162, MedGen C1835819, MONDO:0012563, OMIM 610829.
Postaxial polydactyly-anterior pituitary anomalies-facial dysmorphism syndrome. Also called: Culler-Jones syndrome. Identifiers: Orphanet 420584, MedGen C4014479, MONDO:0014369, OMIM 615849.

gnomAD v4.1: 474 of 1,613,768 alleles (0.029%); highest among the groups gnomAD compares: Non-Finnish European, 0.038%; 1 homozygote.

Submissions (4):

Women's Health and Genetics/Laboratory Corporation of America, LabCorp
Classification: Uncertain significance. Last evaluated: 2026-03-10. Review status: criteria provided, single submitter. Criteria: LabCorp Variant Classification Summary - May 2015. Collection method: clinical testing. Allele origin: germline.
Comment: Variant summary: GLI2 c.4394G>A (p.Ser1465Asn) results in a conservative amino acid change in the encoded protein sequence. Algorithms developed to predict the effect of missense changes on protein structure and function are either unavailable or do not agree on the potential impact of this missense change. The variant allele was found at a frequency of 9.2e-05 in 251076 control chromosomes. This frequency is not significantly higher than estimated for disease-causing variants in GLI2, allowing no conclusion about variant significance. To our knowledge, no occurrence of c.4394G>A in individuals affected with GLI2-related conditions and no experimental evidence demonstrating its impact on protein function have been reported. ClinVar contains an entry for this variant (Variation ID: 3854210). Based on the evidence outlined above, the variant was classified as uncertain significance.

Labcorp Genetics (formerly Invitae), Labcorp
Classification: Uncertain significance for Postaxial polydactyly-anterior pituitary anomalies-facial dysmorphism syndrome; Holoprosencephaly 9. Last evaluated: 2025-06-15. Review status: criteria provided, single submitter. Criteria: Invitae Variant Classification Sherloc (09022015). Collection method: clinical testing. Allele origin: germline.
Comment: This sequence change replaces serine, which is neutral and polar, with asparagine, which is neutral and polar, at codon 1465 of the GLI2 protein (p.Ser1465Asn). This variant is present in population databases (rs150348343, gnomAD 0.02%). This variant has not been reported in the literature in individuals affected with GLI2-related conditions. ClinVar contains an entry for this variant (Variation ID: 3854210). Invitae Evidence Modeling of protein sequence and biophysical properties (such as structural, functional, and spatial information, amino acid conservation, physicochemical variation, residue mobility, and thermodynamic stability) indicates that this missense variant is not expected to disrupt GLI2 protein function with a negative predictive value of 80%. In summary, the available evidence is currently insufficient to determine the role of this variant in disease. Therefore, it has been classified as a Variant of Uncertain Significance.

Ambry Genetics
Classification: Likely benign for Inborn genetic diseases. Last evaluated: 2025-03-05. Review status: criteria provided, single submitter. Criteria: Ambry Variant Classification Scheme 2023. Collection method: clinical testing. Allele origin: germline.

Department of Pathology and Laboratory Medicine, Sinai Health System
Classification: Uncertain significance for Holoprosencephaly 9; Postaxial polydactyly-anterior pituitary anomalies-facial dysmorphism syndrome. Last evaluated: 2022-04-12. Review status: criteria provided, single submitter. Criteria: ACMG Guidelines, 2015. Collection method: research. Allele origin: germline.